The following is an entry in ClinVar:

NM_000093.5(COL5A1):c.529G>A (p.Val177Ile)

Gene: COL5A1 (collagen type V alpha 1 chain; plus strand). Cytogenetic location: 9q34.3.
Variant type: single nucleotide variant.
Coding change: c.529G>A on transcript NM_000093.5 (MANE Select); coding-DNA position 529, G replaced by A.
Protein change: p.Val177Ile; replaces valine 177 with isoleucine.
Molecular consequence: missense variant.
Genome position (GRCh38, 1-based): chr9:134,701,208, G>A. VCF-style: chr9-134701208-G-A. GRCh37 (hg19) VCF-style: chr9-137593054-G-A.
Other names: c.529G>A, p.Val177Ile (NM_001278074.1); short protein forms V177I.
Identifiers: ClinVar variation 4799557 (VCV004799557.1).

ClinVar aggregate classification (germline): Uncertain significance (1 of 4 stars; one submission).

Conditions:
Ehlers-Danlos syndrome, classic type, 1 (EDSCL1). Also called: EHLERS-DANLOS SYNDROME, GRAVIS TYPE; EHLERS-DANLOS SYNDROME, SEVERE CLASSIC TYPE; Ehlers-Danlos syndrome, type 1; Ehlers-Danlos Syndrome, Classic Type, COL5A1-Related; EDS I. Identifiers: MedGen C0268335, MONDO:0019567, OMIM 130000.

Submission:

Labcorp Genetics (formerly Invitae), Labcorp
Classification: Uncertain significance for Ehlers-Danlos syndrome, classic type, 1. Last evaluated: 2025-12-21. Review status: criteria provided, single submitter. Criteria: Invitae Variant Classification Sherloc (09022015). Collection method: clinical testing. Allele origin: germline.
Comment: This sequence change replaces valine, which is neutral and non-polar, with isoleucine, which is neutral and non-polar, at codon 177 of the COL5A1 protein (p.Val177Ile). This variant is not present in population databases (gnomAD no frequency). This variant has not been reported in the literature in individuals affected with COL5A1-related conditions. Invitae Evidence Modeling of protein sequence and biophysical properties (such as structural, functional, and spatial information, amino acid conservation, physicochemical variation, residue mobility, and thermodynamic stability) indicates that this missense variant is not expected to disrupt COL5A1 protein function with a negative predictive value of 95%. In summary, the available evidence is currently insufficient to determine the role of this variant in disease. Therefore, it has been classified as a Variant of Uncertain Significance.